The following is an entry in ClinVar:

ClinVar aggregate classification (germline): Conflicting classifications of pathogenicity. Review status: criteria provided, conflicting classifications (1 of 4 stars). 9 submissions from 9 submitters: Uncertain significance (1); Benign (2); Likely benign (6). Last evaluated 2026-01-16.

Conditions:
Cardiovascular phenotype. Identifiers: MedGen CN230736.
Hypercholesterolemia, autosomal dominant, 3 (FHCL3). Also called: Familial Hypercholesterolemia, Autosomal Dominant, 3; Familial hypercholesterolemia 3; PCSK9-Related Familial Hypercholesterolemia, Autosomal Dominant. Identifiers: MedGen C1863551, MONDO:0011369, OMIM 603776.
Familial hypercholesterolemia. Also called: Familial hypercholesterolaemia; Familial hypercholesterolemias. Identifiers: MedGen C0020445, MONDO:0005439.

Submissions (9):

Labcorp Genetics (formerly Invitae), Labcorp
Classification: Likely benign for Hypercholesterolemia, autosomal dominant, 3. Last evaluated: 2026-01-16. Review status: criteria provided, single submitter. Criteria: Invitae Variant Classification Sherloc (09022015). Collection method: clinical testing. Allele origin: germline.

Mendelics
Classification: Benign. Last evaluated: 2023-08-22. Review status: criteria provided, single submitter. Criteria: Mendelics Assertion Criteria 2019. Collection method: clinical testing. Allele origin: germline.

GeneDx
Classification: Likely benign. Last evaluated: 2022-10-21. Review status: criteria provided, single submitter. Criteria: GeneDx Variant Classification Process June 2021. Collection method: clinical testing. Allele origin: germline. Affected: yes.
Comment: See Variant Classification Assertion Criteria.

Blueprint Genetics
Classification: Likely benign. Last evaluated: 2022-08-31. Review status: criteria provided, single submitter. Criteria: ACMG Guidelines, 2015. Collection method: clinical testing. Allele origin: germline.

Quest Diagnostics Nichols Institute San Juan Capistrano
Classification: Benign. Last evaluated: 2021-04-01. Review status: criteria provided, single submitter. Criteria: Quest Diagnostics criteria. Collection method: clinical testing. Allele origin: unknown.

Ambry Genetics
Classification: Likely benign for Cardiovascular phenotype. Last evaluated: 2021-02-23. Review status: criteria provided, single submitter. Criteria: Ambry Variant Classification Scheme 2023. Collection method: clinical testing. Allele origin: germline.

Color Diagnostics, LLC DBA Color Health
Classification: Likely benign for Familial hypercholesterolemia. Last evaluated: 2018-12-17. Review status: criteria provided, single submitter. Criteria: ACMG Guidelines, 2015. Collection method: clinical testing. Allele origin: germline.

Eurofins Ntd Llc (ga)
Classification: Uncertain significance. Last evaluated: 2018-06-13. Review status: criteria provided, single submitter. Criteria: EGL ClinVar v180209 classification definitions. Collection method: clinical testing. Allele origin: germline. Observed: 1 variant allele, 1 heterozygote.

Women's Health and Genetics/Laboratory Corporation of America, LabCorp
Classification: Likely benign. Last evaluated: 2018-01-03. Review status: criteria provided, single submitter. Criteria: LabCorp Variant Classification Summary - May 2015. Collection method: clinical testing. Allele origin: germline.
Comment: Variant summary: The c.57_65dupGCTGCTGCT (p.Leu19_Leu21dup) in PCSK9 gene leads to an in-frame insertion of three leucines to the stretch of 9 leucines in exon 1 of PCSK9. This variant was found in 36/185508 control chromosomes at a frequency of 0.0001941, which is approximately 2 times the estimated maximal expected allele frequency of a pathogenic PCSK9 variant (0.0000938), suggesting this variant is likely a benign polymorphism. The variant of interest has not, to our knowledge, been reported in affected individuals, nor has it been cited by any reputable databases/clinical laboratories. Addition of one or two leucines to poly Leu stretch are believed to be associated with lower LDL-cholesterol levels in general populations (Abifadel_2009; Slimani_2012). Additional population and clinical data needed to classify the variant with confidence. Taken together, this variant is classified as likely benign.

Literature cited by the submitters: PubMed 22417841 (cited by Ambry Genetics); PubMed 29036232 (cited by Ambry Genetics).

NM_174936.4(PCSK9):c.45GCT[10] (p.Leu21_Leu23dup)

Gene: PCSK9 (proprotein convertase subtilisin/kexin type 9; plus strand). Cytogenetic location: 1p32.3.
Variant type: Microsatellite.
Coding change: c.45GCT[10] on transcript NM_174936.4 (MANE Select); ten copies in a row of the 3-base unit GCT starting at c.45; the reference has seven copies in a row; three copies, 9 bases duplicated; also written c.57_65dup.
Protein change: p.Leu21_Leu23dup.
Molecular consequence: inframe insertion.
Genome position (GRCh38, 1-based): chr1:55,039,894-55,039,902, GCTGCTGCT duplicated; duplicating any 9 consecutive bases within chr1:55,039,880-55,039,902 gives the same sequence; the position shown is the placement nearest the transcript's 3' end. VCF-style (leftmost placement, unchanged base first): chr1-55039879-A-ACTGCTGCTG. GRCh37 (hg19) VCF-style: chr1-55505552-A-ACTGCTGCTG.
Other names: c.57_65dup (NM_174936.3).
Identifiers: ClinVar variation 597379 (VCV000597379.30), dbSNP rs35574083, ClinGen allele CA871472.